The following is an entry in ClinVar:

ClinVar aggregate classification (germline): Pathogenic/Likely pathogenic. Review status: criteria provided, multiple submitters, no conflicts (2 of 4 stars). 5 submissions from 5 submitters: Pathogenic (3); Likely pathogenic (1). 1 of the submissions does not count toward it. Last evaluated 2024-08-31.

Conditions:
Juvenile nephropathic cystinosis. Also called: Intermediate Cystinosis; CYSTINOSIS, LATE-ONSET JUVENILE OR ADOLESCENT NEPHROPATHIC TYPE; Later-Onset (Juvenile) Cystinosis. Identifiers: Orphanet 213, Orphanet 411634, MedGen C0268626, MONDO:0009066, OMIM 219900.
Ocular cystinosis. Also called: Non-Nephropathic Cystinosis; Non-Nephropathic (Ocular) Cystinosis. Identifiers: Orphanet 213, Orphanet 411641, MedGen C2931013, MONDO:0009064, OMIM 219750.
Nephropathic cystinosis (CTNS). Also called: CYSTINOSIN, DEFECT OF; LYSOSOMAL CYSTINE TRANSPORT PROTEIN, DEFECT OF; Abderhalden Lignac Kaufmann disease; Abderhalden-Kaufmann-Lignac syndrome. Identifiers: Orphanet 213, Orphanet 411629, MedGen C2931187, MONDO:0100151, OMIM 219800.
Cystinosis. Also called: Cystine diathesis; Cystine storage disease; Cystinoses. Identifiers: Orphanet 213, MedGen C4316899, MONDO:0016239.
Inborn genetic diseases. Identifiers: MedGen C0950123, MeSH D030342.

Allele frequency attached by ClinVar (database versions not stated): gnomAD exomes below 0.00001.
gnomAD v4.1: 1 of 1,611,800 alleles (0.000062%); highest among the groups gnomAD compares: Non-Finnish European, 0.000085%; no homozygotes.

Submissions (5):

Labcorp Genetics (formerly Invitae), Labcorp
Classification: Pathogenic for Inborn genetic diseases; Ocular cystinosis; Juvenile nephropathic cystinosis. Last evaluated: 2024-08-31. Review status: criteria provided, single submitter. Criteria: Invitae Variant Classification Sherloc (09022015). Collection method: clinical testing. Allele origin: germline.
Comment: This sequence change affects an acceptor splice site in intron 10 of the CTNS gene. It is expected to disrupt RNA splicing. Variants that disrupt the donor or acceptor splice site typically lead to a loss of protein function (PMID: 16199547), and loss-of-function variants in CTNS are known to be pathogenic (PMID: 9537412, 27102039). This variant is present in population databases (no rsID available, gnomAD 0.0009%). Disruption of this splice site has been observed in individual(s) with cystinosis (PMID: 12442267, 29421779). This variant is also known as c.1192-2A>G. ClinVar contains an entry for this variant (Variation ID: 496277). Studies have shown that disruption of this splice site is associated with inconclusive levels of altered splicing (PMID: 12442267). For these reasons, this variant has been classified as Pathogenic.

Fulgent Genetics
Classification: Likely pathogenic for Ocular cystinosis; Nephropathic cystinosis; Juvenile nephropathic cystinosis. Last evaluated: 2024-04-06. Review status: criteria provided, single submitter. Criteria: ACMG Guidelines, 2015. Collection method: clinical testing. Allele origin: germline.

Baylor Genetics
Classification: Pathogenic for Nephropathic cystinosis. Last evaluated: 2023-09-17. Review status: criteria provided, single submitter. Criteria: ACMG Guidelines, 2015. Collection method: clinical testing. Allele origin: unknown.

Women's Health and Genetics/Laboratory Corporation of America, LabCorp
Classification: Pathogenic for Cystinosis. Last evaluated: 2017-02-02. Review status: criteria provided, single submitter. Criteria: LabCorp Variant Classification Summary - May 2015. Collection method: clinical testing. Allele origin: germline.
Comment: Variant summary: The CTNS c.853-2A>G variant involves the alteration of a conserved intronic nucleotide. One in silico tool predicts a damaging outcome for this variant. 4/4 splice prediction tools predict the complete loss of a canonical 5' splice acceptor site. These predictions have been confired by functional studies showing patient RNA having a transcript that contains the first 41bp of IVS10 and a deletion of the first 26 bp of exon11. This variant is absent in 118932 control chromosomes but has been reported in a severely affected proband in the literature. Taken together, this variant is classified as pathogenic.

Counsyl
Classification: Likely pathogenic for Nephropathic cystinosis. Last evaluated: 2017-04-18. Review status: no assertion criteria provided. Collection method: clinical testing. Allele origin: unknown. Not counted in ClinVar's aggregate classification.

Literature cited by the submitters: PubMed 16199547 (cited by Labcorp Genetics (formerly Invitae), Labcorp); PubMed 9537412 (cited by Labcorp Genetics (formerly Invitae), Labcorp); PubMed 27102039 (cited by Labcorp Genetics (formerly Invitae), Labcorp); PubMed 12442267 (cited by 3 submitters); PubMed 29421779 (cited by Labcorp Genetics (formerly Invitae), Labcorp); PubMed 12644911 (cited by Women's Health and Genetics/Laboratory Corporation of America, LabCorp).

NM_004937.3(CTNS):c.853-2A>G

Gene: CTNS (cystinosin, lysosomal cystine transporter; plus strand). Cytogenetic location: 17p13.2.
Variant type: single nucleotide variant.
Coding change: c.853-2A>G on transcript NM_004937.3 (MANE Select); the canonical splice acceptor site of the intron before coding-DNA position 853, A replaced by G.
Molecular consequence: splice acceptor variant.
Genome position (GRCh38, 1-based): chr17:3,659,856, A>G. VCF-style: chr17-3659856-A-G. GRCh37 (hg19) VCF-style: chr17-3563150-A-G.
Other names: c.412-2A>G (NM_001374493.1, NM_001374495.1, NM_001374494.1 and 1 more transcripts); c.853-2A>G (NM_001031681.3, NM_001374492.1).
Identifiers: ClinVar variation 496277 (VCV000496277.6), dbSNP rs1475322504, ClinGen allele CA397692891.